The following is an entry in ClinVar:

NM_203447.4(DOCK8):c.2007+200A>G

Gene: DOCK8 (dedicator of cytokinesis 8; plus strand). Cytogenetic location: 9p24.3.
Variant type: single nucleotide variant.
Coding change: c.2007+200A>G on transcript NM_203447.4 (MANE Select); 200 bases into the intron after coding-DNA position 2007, A replaced by G.
Molecular consequence: intron variant.
Genome position (GRCh38, 1-based): chr9:371,766, A>G. VCF-style: chr9-371766-A-G. GRCh37 (hg19) VCF-style: chr9-371766-A-G.
Other names: NC_000009.11:g.371766A>G; c.1803+200A>G (NM_001193536.2, NM_001190458.2).
Identifiers: ClinVar variation 677823 (VCV000677823.2), dbSNP rs77987445, ClinGen allele CA13120536.

ClinVar aggregate classification (germline): Benign (1 of 4 stars; one submission).

Allele frequency attached by ClinVar (database versions not stated): gnomAD 0.03022 and 0.03246; 1000 Genomes Project 0.03375; TOPMed 0.03500; 1000 Genomes Project 30x 0.03701.
gnomAD v4.1: 4,574 of 152,354 alleles (3%); highest among the groups gnomAD compares: African/African-American, 10%; 205 homozygotes.

Submissions (3):

GeneDx
Classification: Benign. Last evaluated: 2018-06-19. Review status: criteria provided, single submitter. Criteria: GeneDx Variant Classification (06012015). Collection method: clinical testing. Allele origin: germline. Affected: yes.
Comment: This variant is considered likely benign or benign based on one or more of the following criteria: it is a conservative change, it occurs at a poorly conserved position in the protein, it is predicted to be benign by multiple in silico algorithms, and/or has population frequency not consistent with disease.

Dr. Peter K. Rogan Lab, Western University
No classification provided (evidence only). Condition: Thymoma. Review status: no classification provided. Collection method: in vitro. Allele origin: not applicable. Functional consequence: retained intron. Not counted in ClinVar's aggregate classification.

Dr. Peter K. Rogan Lab, Western University
No classification provided (evidence only). Condition: Gastric cancer. Review status: no classification provided. Collection method: in vitro. Allele origin: not applicable. Functional consequence: skipped exon. Not counted in ClinVar's aggregate classification.